The following is an entry in ClinVar:

ClinVar aggregate classification (germline): Benign. Review status: criteria provided, multiple submitters, no conflicts (2 of 4 stars). 5 submissions from 5 submitters: Benign (4). 1 of the submissions does not count toward it. Last evaluated 2026-02-02.

Conditions:
Emery-Dreifuss muscular dystrophy 5, autosomal dominant (EDMD5). Also called: EMERY-DREIFUSS MUSCULAR DYSTROPHY 5. Identifiers: Orphanet 261, MedGen C2751805, MONDO:0013072, OMIM 612999.

Allele frequency attached by ClinVar (database versions not stated): 1000 Genomes Project 0.01937; 1000 Genomes Project 30x 0.02108; gnomAD 0.03680 and 0.03757; ESP Exome Variant Server 0.03698; TOPMed 0.03813; ExAC 0.04083; gnomAD exomes 0.04317 and 0.05037.
gnomAD v4.1: 78,542 of 1,614,142 alleles (4.9%); highest among the groups gnomAD compares: Admixed American, 8%; 2,238 homozygotes.

Submissions (5):

Labcorp Genetics (formerly Invitae), Labcorp
Classification: Benign for Emery-Dreifuss muscular dystrophy 5, autosomal dominant. Last evaluated: 2026-02-02. Review status: criteria provided, single submitter. Criteria: Invitae Variant Classification Sherloc (09022015). Collection method: clinical testing. Allele origin: germline.

GeneDx
Classification: Benign. Last evaluated: 2018-07-09. Review status: criteria provided, single submitter. Criteria: GeneDx Variant Classification Process June 2021. Collection method: clinical testing. Allele origin: germline. Affected: yes.

Illumina Laboratory Services, Illumina
Classification: Benign for Emery-Dreifuss muscular dystrophy 5, autosomal dominant. Last evaluated: 2018-01-13. Review status: criteria provided, single submitter. Criteria: ICSL Variant Classification Criteria 13 December 2019. Collection method: clinical testing. Allele origin: germline.
Comment: This variant was observed in the ICSL laboratory as part of a predisposition screen in an ostensibly healthy population. It had not been previously curated by ICSL or reported in the Human Gene Mutation Database (HGMD: prior to June 1st, 2018), and was therefore a candidate for classification through an automated scoring system. Utilizing variant allele frequency, disease prevalence and penetrance estimates, and inheritance mode, an automated score was calculated to assess if this variant is too frequent to cause the disease. Based on the score and internal cut-off values, a variant classified as benign is not then subjected to further curation. The score for this variant resulted in a classification of benign for this disease.

Breakthrough Genomics
Classification: Benign. Review status: criteria provided, single submitter. Criteria: ACMG Guidelines, 2015. Collection method: not provided. Allele origin: germline. Inheritance: Autosomal dominant inheritance. Affected: yes.

Genetic Services Laboratory, University of Chicago
Classification: Likely benign for AllHighlyPenetrant. Review status: no assertion criteria provided. Collection method: clinical testing. Allele origin: germline. Inheritance: Autosomal dominant inheritance. Not counted in ClinVar's aggregate classification.
Comment: Likely benign based on allele frequency in 1000 Genomes Project or ESP global frequency and its presence in a patient with a rare or unrelated disease phenotype. NOT Sanger confirmed.

NM_182914.3(SYNE2):c.14737G>A (p.Glu4913Lys)

Gene: SYNE2 (spectrin repeat containing nuclear envelope protein 2; plus strand). Cytogenetic location: 14q23.2.
Variant type: single nucleotide variant.
Coding change: c.14737G>A on transcript NM_182914.3 (MANE Select); coding-DNA position 14737, G replaced by A.
Protein change: p.Glu4913Lys; replaces glutamic acid 4913 with lysine.
Molecular consequence: missense variant.
Genome position (GRCh38, 1-based): chr14:64,137,877, G>A. VCF-style: chr14-64137877-G-A. GRCh37 (hg19) VCF-style: chr14-64604595-G-A.
Other names: c.14737G>A, p.Glu4913Lys (NM_015180.6); short protein forms E4913K.
Identifiers: ClinVar variation 130476 (VCV000130476.21), dbSNP rs12881815, ClinGen allele CA155540.